The following is an entry in ClinVar:

ClinVar aggregate classification (germline): Likely benign. Review status: criteria provided, multiple submitters, no conflicts (2 of 4 stars). 2 submissions from 2 submitters: Likely benign (2). Last evaluated 2025-08-08.

Conditions:
Muscular dystrophy-dystroglycanopathy (congenital with impaired intellectual development), type B, 1. Also called: MUSCULAR DYSTROPHY, CONGENITAL, POMT1-RELATED; Muscular dystrophy-dystroglycanopathy (congenital with intellectual disability), type B1. Identifiers: MedGen C5436962, MONDO:0013159, OMIM 613155.
Autosomal recessive limb-girdle muscular dystrophy type 2K. Also called: MUSCULAR DYSTROPHY-DYSTROGLYCANOPATHY (LIMB-GIRDLE), TYPE C, 1; MUSCULAR DYSTROPHY, LIMB-GIRDLE, TYPE 2K. Identifiers: Orphanet 86812, MedGen C1836373, MONDO:0012248, OMIM 609308.
Walker-Warburg congenital muscular dystrophy. Also called: Muscular dystrophy-dystroglycanopathy, type A; Walker-Warburg syndrome. Identifiers: Orphanet 899, MedGen C0265221, MONDO:0000171.

Allele frequency attached by ClinVar (database versions not stated): TOPMed 0.00001; ESP Exome Variant Server 0.00023; gnomAD 0.00001; ExAC 0.00002.
gnomAD v4.1: 8 of 1,613,392 alleles (0.0005%); highest among the groups gnomAD compares: South Asian, 0.0033%; no homozygotes.

Submissions (2):

Athena Diagnostics
Classification: Likely benign. Last evaluated: 2025-08-08. Review status: criteria provided, single submitter. Criteria: Athena Diagnostics Criteria. Collection method: clinical testing. Allele origin: unknown.
Comment: Computational tools yielded predictions that this variant is unlikely to have an effect on normal RNA splicing. This nucleotide position exhibits low evolutionary conservation.

Labcorp Genetics (formerly Invitae), Labcorp
Classification: Likely benign for Muscular dystrophy-dystroglycanopathy (congenital with impaired intellectual development), type B, 1; Walker-Warburg congenital muscular dystrophy; Autosomal recessive limb-girdle muscular dystrophy type 2K. Last evaluated: 2024-01-20. Review status: criteria provided, single submitter. Criteria: Invitae Variant Classification Sherloc (09022015). Collection method: clinical testing. Allele origin: germline.

NM_001077365.2(POMT1):c.1353C>A (p.Ser451=)

Gene: POMT1 (protein O-mannosyltransferase 1; plus strand). Cytogenetic location: 9q34.13.
Variant type: single nucleotide variant.
Coding change: c.1353C>A on transcript NM_001077365.2 (MANE Select); coding-DNA position 1353, C replaced by A.
Protein change: p.Ser451=; no amino-acid change (serine 451 retained).
Molecular consequence: synonymous variant. On other transcripts: non-coding transcript variant (10).
Genome position (GRCh38, 1-based): chr9:131,518,525, C>A. VCF-style: chr9-131518525-C-A. GRCh37 (hg19) VCF-style: chr9-134393912-C-A.
Other names: c.1419C>A (NM_007171.3); c.1191C>A, p.Ser397= (NM_001077366.2, NM_001353194.2); c.1353C>A, p.Ser451= (NM_001136113.2, NM_001374690.1); c.1002C>A, p.Ser334= (NM_001136114.2, NM_001353195.2, NM_001374691.1 and 2 more transcripts); c.1419C>A, p.Ser473= (NM_001353193.2, NM_007171.4); c.1263C>A, p.Ser421= (NM_001353196.2); c.1257C>A, p.Ser419= (NM_001353197.2, NM_001353198.2); c.1068C>A, p.Ser356= (NM_001353199.2); and 3 more.
Identifiers: ClinVar variation 1021325 (VCV001021325.8), dbSNP rs144385159, ClinGen allele CA5293664.